The following is an entry in ClinVar:

NM_002637.4(PHKA1):c.849C>G (p.Ile283Met)

Gene: PHKA1 (phosphorylase kinase regulatory subunit alpha 1; minus strand). Cytogenetic location: Xq13.1.
Variant type: single nucleotide variant.
Coding change: c.849C>G on transcript NM_002637.4 (MANE Select); coding-DNA position 849, C replaced by G.
Protein change: p.Ile283Met; replaces isoleucine 283 with methionine.
Molecular consequence: missense variant.
Genome position (GRCh38, 1-based): chrX:72,666,166, G>C on the plus strand (C>G on the coding strand, the complement: PHKA1 is on the minus strand). VCF-style: chrX-72666166-G-C. GRCh37 (hg19) VCF-style: chrX-71886016-G-C.
Other names: c.849C>G, p.Ile283Met (NM_001122670.2, NM_001172436.2); short protein forms I283M.
Identifiers: ClinVar variation 1312523 (VCV001312523.2), dbSNP rs2147779803, ClinGen allele CA413593960.

ClinVar aggregate classification (germline): Uncertain significance (1 of 4 stars; one submission).

Submission:

GeneDx
Classification: Uncertain significance. Last evaluated: 2021-07-31. Review status: criteria provided, single submitter. Criteria: GeneDx Variant Classification Process June 2021. Collection method: clinical testing. Allele origin: germline. Affected: yes.
Comment: Not observed at significant frequency in large population cohorts (Lek et al., 2016); In silico analysis supports that this missense variant has a deleterious effect on protein structure/function; Has not been previously published as pathogenic or benign to our knowledge